The following is an entry in ClinVar:

ClinVar aggregate classification (germline): Uncertain significance (1 of 4 stars; one submission).

Conditions:
Schuurs-Hoeijmakers syndrome. Also called: PACS1-Related Neurodevelopmental Disorder. Identifiers: Orphanet 329224, MedGen C3554343, MONDO:0014006, OMIM 615009.

Submission:

Labcorp Genetics (formerly Invitae), Labcorp
Classification: Uncertain significance for Schuurs-Hoeijmakers syndrome. Last evaluated: 2024-11-15. Review status: criteria provided, single submitter. Criteria: Invitae Variant Classification Sherloc (09022015). Collection method: clinical testing. Allele origin: germline.
Comment: This sequence change replaces threonine, which is neutral and polar, with serine, which is neutral and polar, at codon 314 of the PACS1 protein (p.Thr314Ser). This variant is not present in population databases (gnomAD no frequency). This variant has not been reported in the literature in individuals affected with PACS1-related conditions. Invitae Evidence Modeling of protein sequence and biophysical properties (such as structural, functional, and spatial information, amino acid conservation, physicochemical variation, residue mobility, and thermodynamic stability) indicates that this missense variant is not expected to disrupt PACS1 protein function with a negative predictive value of 80%. In summary, the available evidence is currently insufficient to determine the role of this variant in disease. Therefore, it has been classified as a Variant of Uncertain Significance.

NM_018026.4(PACS1):c.941C>G (p.Thr314Ser)

Gene: PACS1 (phosphofurin acidic cluster sorting protein 1; plus strand). Cytogenetic location: 11q13.2.
Variant type: single nucleotide variant.
Coding change: c.941C>G on transcript NM_018026.4 (MANE Select); coding-DNA position 941, C replaced by G.
Protein change: p.Thr314Ser; replaces threonine 314 with serine.
Molecular consequence: missense variant.
Genome position (GRCh38, 1-based): chr11:66,216,738, C>G. VCF-style: chr11-66216738-C-G. GRCh37 (hg19) VCF-style: chr11-65984209-C-G.
Other names: short protein forms T314S.
Identifiers: ClinVar variation 3704357 (VCV003704357.2).